The following is an entry in ClinVar:

NM_004145.4(MYO9B):c.3371A>G (p.Glu1124Gly)

Gene: MYO9B (myosin IXB; plus strand). Cytogenetic location: 19p13.11.
Variant type: single nucleotide variant.
Coding change: c.3371A>G on transcript NM_004145.4 (MANE Select); coding-DNA position 3371, A replaced by G.
Protein change: p.Glu1124Gly; replaces glutamic acid 1124 with glycine.
Molecular consequence: missense variant.
Genome position (GRCh38, 1-based): chr19:17,194,798, A>G. VCF-style: chr19-17194798-A-G. GRCh37 (hg19) VCF-style: chr19-17305607-A-G.
Other names: c.3371A>G, p.Glu1124Gly (NM_001130065.2); short protein forms E1124G.
Identifiers: ClinVar variation 3038330 (VCV003038330.2), dbSNP rs35458733, ClinGen allele CA9287846.

ClinVar aggregate classification (germline): Benign (0 of 4 stars; one submission).

Conditions:
MYO9B-related disorder. Also called: MYO9B-related condition.

Allele frequency attached by ClinVar (database versions not stated): 1000 Genomes Project 0.00100; 1000 Genomes Project 30x 0.00141; TOPMed 0.00176; ESP Exome Variant Server 0.00204; gnomAD 0.00272; ExAC 0.00286; gnomAD exomes 0.00306.
gnomAD v4.1: 4,862 of 1,613,422 alleles (0.3%); highest among the groups gnomAD compares: Non-Finnish European, 0.34%; 12 homozygotes.

Submission:

PreventionGenetics, part of Exact Sciences
Classification: Benign for MYO9B-related condition. Last evaluated: 2019-07-30. Review status: no assertion criteria provided. Collection method: clinical testing. Allele origin: germline.
Comment: This variant is classified as benign based on ACMG/AMP sequence variant interpretation guidelines (Richards et al. 2015 PMID: 25741868, with internal and published modifications).